The following is an entry in ClinVar:

ClinVar aggregate classification (germline): Pathogenic. Review status: criteria provided, multiple submitters, no conflicts (2 of 4 stars). 2 submissions from 2 submitters: Pathogenic (2). Last evaluated 2020-12-20.

Conditions:
Ataxia-telangiectasia syndrome (AT). Also called: Cerebello-oculocutaneous telangiectasia; Immunodeficiency with ataxia telangiectasia; ATAXIA-TELANGIECTASIA, FRESNO VARIANT; Ataxia-telangiectasia, complementation group D; Ataxia telangiectasia (A-T); LOUIS-BAR SYNDROME. Identifiers: Orphanet 100, MedGen C0004135, MONDO:0008840, OMIM 208900.

Submissions (2):

Labcorp Genetics (formerly Invitae), Labcorp
Classification: Pathogenic for Ataxia-telangiectasia syndrome. Last evaluated: 2020-12-20. Review status: criteria provided, single submitter. Criteria: Invitae Variant Classification Sherloc (09022015). Collection method: clinical testing. Allele origin: germline.
Comment: For these reasons, this variant has been classified as Pathogenic. This variant has not been reported in the literature in individuals with ATM-related conditions. This variant is not present in population databases (ExAC no frequency). This sequence change creates a premature translational stop signal (p.Ser1490Alafs*9) in the ATM gene. It is expected to result in an absent or disrupted protein product. Loss-of-function variants in ATM are known to be pathogenic (PMID: 23807571, 25614872).

ARUP Laboratories, Molecular Genetics and Genomics, ARUP Laboratories
Classification: Pathogenic. Last evaluated: 2020-10-15. Review status: criteria provided, single submitter. Criteria: ARUP Molecular Germline Variant Investigation Process 2021. Collection method: clinical testing. Allele origin: germline.
Comment: The ATM c.4467del; p.Ser1490AlafsTer9 variant, to our knowledge, is not reported in the medical literature or gene specific databases. This variant is absent from general population databases (Exome Variant Server, Genome Aggregation Database), indicating it is not a common polymorphism. This variant causes a frameshift by deleting a single nucleotide, so it is predicted to result in a truncated protein or mRNA subject to nonsense-mediated decay. Based on available information, this variant is considered to be pathogenic.

Literature cited by the submitters: PubMed 23807571 (cited by Labcorp Genetics (formerly Invitae), Labcorp); PubMed 25614872 (cited by Labcorp Genetics (formerly Invitae), Labcorp).

NM_000051.4(ATM):c.4467del (p.Ser1490fs)

Gene: ATM (ATM serine/threonine kinase; plus strand). Cytogenetic location: 11q22.3.
Variant type: Deletion.
Coding change: c.4467del on transcript NM_000051.4 (MANE Select); coding-DNA position 4467, one base deleted (T; older notation c.4467delT).
Protein change: p.Ser1490fs; shifts the reading frame from serine 1490.
Molecular consequence: frameshift variant.
Genome position (GRCh38, 1-based): chr11:108,292,649, T deleted. VCF-style (leftmost placement, unchanged base first): chr11-108292648-GT-G. GRCh37 (hg19) VCF-style: chr11-108163375-GT-G.
Other names: c.4467del, p.Ser1490fs (NM_001351834.2); short protein forms S1490fs.
Identifiers: ClinVar variation 1075345 (VCV001075345.14), dbSNP rs2135798153, ClinGen allele CA2499220638.
Genomic context (GRCh38, chr11:108,292,648, plus strand): 5'-TTGTTGTTGTTTTTTTTTCTCCCTATATTAGGCCTTCTTGTATCATGGATGTGTCATTAC[GT>G]AGCTTCTCCCTTTGTTGTGACTTATTAAGTCAGGTTTGCCAGACAGCCGTGACTTACTGT-3'